The following is an entry in ClinVar:

ClinVar aggregate classification (germline): Uncertain significance. Review status: criteria provided, multiple submitters, no conflicts (2 of 4 stars). 3 submissions from 3 submitters: Uncertain significance (2). 1 of the submissions does not count toward it. Last evaluated 2024-02-24.

Conditions:
TUB-related disorder. Also called: TUB-related condition.

Submissions (3):

Labcorp Genetics (formerly Invitae), Labcorp
Classification: Uncertain significance. Last evaluated: 2024-02-24. Review status: criteria provided, single submitter. Criteria: Invitae Variant Classification Sherloc (09022015). Collection method: clinical testing. Allele origin: germline.
Comment: This variant, c.547_549del, results in the deletion of 1 amino acid(s) of the TUB protein (p.Lys183del), but otherwise preserves the integrity of the reading frame. This variant is present in population databases (rs776764692, gnomAD 0.01%). This variant has not been reported in the literature in individuals affected with TUB-related conditions. Experimental studies and prediction algorithms are not available or were not evaluated, and the functional significance of this variant is currently unknown. In summary, the available evidence is currently insufficient to determine the role of this variant in disease. Therefore, it has been classified as a Variant of Uncertain Significance.

Blueprint Genetics
Classification: Uncertain significance. Last evaluated: 2020-10-26. Review status: criteria provided, single submitter. Criteria: ACMG Guidelines, 2015. Collection method: clinical testing. Allele origin: germline.

PreventionGenetics, part of Exact Sciences
Classification: Uncertain significance for TUB-related condition. Last evaluated: 2024-08-28. Review status: no assertion criteria provided. Collection method: clinical testing. Allele origin: germline. Not counted in ClinVar's aggregate classification.
Comment: The TUB c.547_549delAAG variant is predicted to result in an in-frame deletion (p.Lys183del). To our knowledge, this variant has not been reported in the literature. This variant is reported in 0.015% of alleles in individuals of Latino descent in gnomAD. At this time, the clinical significance of this variant is uncertain due to the absence of conclusive functional and genetic evidence.

NM_177972.3(TUB):c.379AAG[1] (p.Lys128del)

Genes: RIC3 (RIC3 acetylcholine receptor chaperone; minus strand), TUB (TUB bipartite transcription factor; plus strand). Cytogenetic location: 11p15.4.
Variant type: Microsatellite.
Coding change: c.379AAG[1] on transcript NM_177972.3 (MANE Select); one copy of the 3-base unit AAG starting at c.379; the reference has two copies in a row; one copy, 3 bases deleted.
Protein change: p.Lys128del; deletes lysine 128.
Molecular consequence: inframe deletion.
Genome position (GRCh38, 1-based): chr11:8,094,174-8,094,176, AAG deleted; deleting any 3 consecutive bases within chr11:8,094,169-8,094,176 gives the same sequence; the position shown is the placement nearest the transcript's 3' end. VCF-style (leftmost placement, unchanged base first): chr11-8094168-GAGA-G. GRCh37 (hg19) VCF-style: chr11-8115715-GAGA-G.
Other names: c.547_549delAAG (NM_003320.4); c.544AAG[1], p.Lys183del (NM_003320.5); short protein forms K128del, K183del.
Identifiers: ClinVar variation 1044486 (VCV001044486.8), dbSNP rs776764692, ClinGen allele CA5871057.